The following is an entry in ClinVar:

NM_001267550.2(TTN):c.13945A>G (p.Lys4649Glu)

Gene: TTN (titin; minus strand). Cytogenetic location: 2q31.2.
Variant type: single nucleotide variant.
Coding change: c.13945A>G on transcript NM_001267550.2 (MANE Select); coding-DNA position 13945, A replaced by G.
Protein change: p.Lys4649Glu; replaces lysine 4649 with glutamic acid.
Molecular consequence: missense variant. On other transcripts: intron variant (1).
Genome position (GRCh38, 1-based): chr2:178,739,288, T>C on the plus strand (A>G on the coding strand, the complement: TTN is on the minus strand). VCF-style: chr2-178739288-T-C. GRCh37 (hg19) VCF-style: chr2-179604015-T-C.
Other names: c.12994A>G, p.Lys4332Glu (NM_001256850.1); c.12856A>G, p.Lys4286Glu (NM_003319.4); c.13231A>G, p.Lys4411Glu (NM_133432.3); c.13432A>G, p.Lys4478Glu (NM_133437.4); c.10361-928A>G (NM_133378.4); short protein forms K4649E, K4332E, K4411E, K4478E, K4286E.
Identifiers: ClinVar variation 404629 (VCV000404629.1), dbSNP rs1060500392, ClinGen allele CA16610505.

ClinVar aggregate classification (germline): Uncertain significance (1 of 4 stars; one submission).

Conditions:
Dilated cardiomyopathy 1G (CMD1G). Identifiers: Orphanet 154, MedGen C1858763, MONDO:0011400, OMIM 604145.
Autosomal recessive limb-girdle muscular dystrophy type 2J (LGMDR10). Also called: Limb-girdle muscular dystrophy, type 2J; MUSCULAR DYSTROPHY, LIMB-GIRDLE, AUTOSOMAL RECESSIVE 10. Identifiers: Orphanet 140922, MedGen C1837342, MONDO:0012127, OMIM 608807.

Allele frequency attached by ClinVar (database versions not stated): TOPMed below 0.00001; gnomAD exomes 0.00001.
gnomAD v4.1: 10 of 1,612,994 alleles (0.00062%); highest among the groups gnomAD compares: Non-Finnish European, 0.00076%; no homozygotes.

Submission:

Labcorp Genetics (formerly Invitae), Labcorp
Classification: Uncertain significance for Dilated cardiomyopathy 1G; Autosomal recessive limb-girdle muscular dystrophy type 2J. Last evaluated: 2016-12-05. Review status: criteria provided, single submitter. Criteria: Invitae Variant Classification Sherloc (09022015). Collection method: clinical testing. Allele origin: germline.
Comment: This sequence change replaces lysine with glutamic acid at codon 4649 of the TTN protein (p.Lys4649Glu). The lysine residue is weakly conserved and there is a small physicochemical difference between lysine and glutamic acid. This variant is not present in population databases (ExAC no frequency) and has not been reported in the literature in individuals with a TTN-related disease. Algorithms developed to predict the effect of missense changes on protein structure and function are unavailable for the TTN gene. In summary, this variant is a novel missense change with uncertain impact on protein function. It has been classified as a Variant of Uncertain Significance.